The following is an entry in ClinVar:

NM_130839.5(UBE3A):c.2415T>C (p.Phe805=)

Genes: SNHG14 (small nucleolar RNA host gene 14; plus strand), UBE3A (ubiquitin protein ligase E3A; minus strand). Cytogenetic location: 15q11.2.
Variant type: single nucleotide variant.
Coding change: c.2415T>C on transcript NM_130839.5 (MANE Select); coding-DNA position 2415, T replaced by C.
Protein change: p.Phe805=; no amino-acid change (phenylalanine 805 retained).
Molecular consequence: synonymous variant. On other transcripts: non-coding transcript variant (1).
Genome position (GRCh38, 1-based): chr15:25,340,168, A>G on the plus strand (T>C on the coding strand, the complement: UBE3A is on the minus strand). VCF-style: chr15-25340168-A-G. GRCh37 (hg19) VCF-style: chr15-25585315-A-G.
Other names: p.F805F:TTT>TTC; NM_130839.5(UBE3A):c.2415T>C; p.Phe805=; c.2424T>C, p.Phe808= (NM_000462.5); c.2415T>C, p.Phe805= (NM_001354505.1, NM_001354538.2); c.2355T>C, p.Phe785= (NM_001354506.2, NM_001354507.2, NM_001354508.2 and 14 more transcripts); c.2259T>C, p.Phe753= (NM_001354545.2); c.2238T>C, p.Phe746= (NM_001354546.2); and 4 more.
Identifiers: ClinVar variation 137887 (VCV000137887.50), dbSNP rs587780991, ClinGen allele CA291612.

ClinVar aggregate classification (germline): Uncertain significance. Review status: reviewed by expert panel (3 of 4 stars). 5 submissions from 5 submitters: Uncertain significance (1). 4 of the submissions do not count toward it. Last evaluated 2022-06-30.

Conditions:
Angelman syndrome (AS). Also called: HAPPY PUPPET SYNDROME. Identifiers: Orphanet 72, MedGen C0162635, MONDO:0007113, OMIM 105830. Disease mechanism: loss of function. Inheritance: AS is caused by disruption of maternally imprinted UBE3A located within the 15q11.2-q13 Angelman syndrome/Prader-Willi syndrome (AS/PWS) region., imprinting disorder.

Allele frequency attached by ClinVar (database versions not stated): gnomAD 0.00001; TOPMed 0.00001; ExAC 0.00002; gnomAD exomes 0.00003 and 0.00004.
gnomAD v4.1: 59 of 1,613,964 alleles (0.0037%); highest among the groups gnomAD compares: Non-Finnish European, 0.0043%; no homozygotes.

Submissions (5):

ClinGen Rett and Angelman-like Disorders Variant Curation Expert Panel
Classification: Uncertain significance for Angelman syndrome. Last evaluated: 2022-06-30. Review status: reviewed by expert panel. Criteria: ClinGen RettAS ACMG Specifications V2. Collection method: curation. Allele origin: germline. Inheritance: Autosomal dominant inheritance.
Comment: The c.2355T>C p.(Phe785=) variant in UBE3A (NM_130838.2) is present in gnomAD v2.1.1 at a frequency of 0.0062% in the African/African-American sub population (no criteria met). The silent p.(Phe785=) variant is not predicted to affect splicing using multiple computational tools, however this affects a highly conserved nucleotide (BP7 not met). The p.(Phe785=) variant has been observed in at least 1 unaffected mother of a patient with Angelman syndrome (PMID: 25212744) (BS2 not met). In summary, the c.2355T>C p.(Phe785=) variant in UBE3A is classified as a Variant of Uncertain Significance based on the ACMG/AMP criteria (no criteria met).

CeGaT Center for Human Genetics Tuebingen
Classification: Likely benign. Last evaluated: 2026-05-01. Review status: criteria provided, single submitter. Criteria: CeGaT Center For Human Genetics Tuebingen Variant Classification Criteria Version 2. Collection method: clinical testing. Allele origin: germline. Affected: yes. Observed: 2 variant alleles. Not counted in ClinVar's aggregate classification.
Comment: UBE3A: BP4, BP7

Labcorp Genetics (formerly Invitae), Labcorp
Classification: Likely benign for Angelman syndrome. Last evaluated: 2025-10-01. Review status: criteria provided, single submitter. Criteria: Invitae Variant Classification Sherloc (09022015). Collection method: clinical testing. Allele origin: germline. Not counted in ClinVar's aggregate classification.

GeneDx
Classification: Likely benign. Last evaluated: 2021-05-03. Review status: criteria provided, single submitter. Criteria: GeneDx Variant Classification Process June 2021. Collection method: clinical testing. Allele origin: germline. Affected: yes. Not counted in ClinVar's aggregate classification.
Comment: This variant is associated with the following publications: (PMID: 25212744)

Baylor Genetics
Classification: Uncertain significance for Angelman syndrome. Last evaluated: 2014-02-14. Review status: no assertion criteria provided. Collection method: clinical testing. Allele origin: maternal, germline. Affected: yes. Observed: 3 variant alleles. Study: UBE3A Mutation Study. Not counted in ClinVar's aggregate classification.
Comment: possible diagnosis of Angelman syndrome

Data collected from clinical UBE3A sequence analysis results

Literature cited by the submitters: PubMed 25212744 (cited by Baylor Genetics).